The following is an entry in ClinVar:

ClinVar aggregate classification (germline): Benign/Likely benign. Review status: criteria provided, multiple submitters, no conflicts (2 of 4 stars). 5 submissions from 5 submitters: Benign (1); Likely benign (4). Last evaluated 2025-07-29.

Conditions:
Juvenile polyposis syndrome (JPS). Identifiers: Orphanet 2929, MedGen C0345893, MONDO:0017380, OMIM 174900.
Hereditary cancer-predisposing syndrome. Also called: Hereditary neoplastic syndrome; Neoplastic Syndromes, Hereditary; Tumor predisposition; Hereditary Cancer Syndrome. Identifiers: Orphanet 140162, MedGen C0027672, MeSH D009386, MONDO:0015356.

Allele frequency attached by ClinVar (database versions not stated): ExAC 0.00001.
gnomAD v4.1: 6 of 1,612,948 alleles (0.00037%); highest among the groups gnomAD compares: South Asian, 0.0011%; no homozygotes.

Submissions (5):

Labcorp Genetics (formerly Invitae), Labcorp
Classification: Likely benign for Juvenile polyposis syndrome. Last evaluated: 2025-07-29. Review status: criteria provided, single submitter. Criteria: Invitae Variant Classification Sherloc (09022015). Collection method: clinical testing. Allele origin: germline.

Myriad Genetics, Inc.
Classification: Benign for Juvenile polyposis syndrome. Last evaluated: 2024-08-06. Review status: criteria provided, single submitter. Criteria: Myriad Autosomal Dominant, Autosomal Recessive and X-Linked Classification Criteria (2023). Collection method: clinical testing. Allele origin: unknown.
Comment: This variant is considered benign. This variant is a silent/synonymous amino acid change and it is not expected to impact splicing.

All of Us Research Program, National Institutes of Health
Classification: Likely benign for Juvenile polyposis syndrome. Last evaluated: 2023-08-15. Review status: criteria provided, single submitter. Criteria: ACMG Guidelines, 2015. Collection method: clinical testing. Allele origin: germline. Inheritance: Autosomal dominant inheritance. Observed: 1 variant allele, 1 heterozygote.
Comment: This study involves interpretation of variants in research participants for the purpose of population health screening. Participant phenotype was not available at the time of variant classification. Additional details can be found in publication PMID: 35346344, PMCID: PMC8962531

Ambry Genetics
Classification: Likely benign for Hereditary cancer-predisposing syndrome. Last evaluated: 2017-12-15. Review status: criteria provided, single submitter. Criteria: Ambry Variant Classification Scheme 2023. Collection method: clinical testing. Allele origin: germline.

Color Diagnostics, LLC DBA Color Health
Classification: Likely benign for Hereditary cancer-predisposing syndrome. Last evaluated: 2017-11-26. Review status: criteria provided, single submitter. Criteria: ACMG Guidelines, 2015. Collection method: clinical testing. Allele origin: germline.

NM_004329.3(BMPR1A):c.1077T>C (p.Ala359=)

Gene: BMPR1A (bone morphogenetic protein receptor type 1A; plus strand). Cytogenetic location: 10q23.2.
Variant type: single nucleotide variant.
Coding change: c.1077T>C on transcript NM_004329.3 (MANE Select); coding-DNA position 1077, T replaced by C.
Protein change: p.Ala359=; no amino-acid change (alanine 359 retained).
Molecular consequence: synonymous variant.
Genome position (GRCh38, 1-based): chr10:86,919,380, T>C. VCF-style: chr10-86919380-T-C. GRCh37 (hg19) VCF-style: chr10-88679137-T-C.
Identifiers: ClinVar variation 460473 (VCV000460473.20), dbSNP rs761131818, ClinGen allele CA5585651.